The following is an entry in ClinVar:

ClinVar aggregate classification (germline): Uncertain significance. Review status: criteria provided, multiple submitters, no conflicts (2 of 4 stars). 2 submissions from 2 submitters: Uncertain significance (2). Last evaluated 2024-03-24.

Conditions:
Lynch syndrome. Identifiers: Orphanet 144, MedGen C4552100, MONDO:0005835. Disease mechanism: loss of function.

Submissions (2):

All of Us Research Program, National Institutes of Health
Classification: Uncertain significance for Lynch syndrome. Last evaluated: 2024-03-24. Review status: criteria provided, single submitter. Criteria: ACMG Guidelines, 2015. Collection method: clinical testing. Allele origin: germline. Inheritance: Autosomal dominant inheritance. Observed: 1 variant allele, 1 heterozygote.
Comment: This variant causes and in-frame insertion of one amino acid in exon 8 of the MSH6 protein. To our knowledge, functional studies have not been reported for this variant. This variant has not been reported in individuals affected with MSH6-related disorders in the literature. This variant has not been identified in the general population by the Genome Aggregation Database (gnomAD). The available evidence is insufficient to determine the role of this variant in disease conclusively. Therefore, this variant is classified as a Variant of Uncertain Significance.

This study involves interpretation of variants in research participants for the purpose of population health screening. Participant phenotype was not available at the time of variant classification. Additional details can be found in publication PMID: 35346344, PMCID: PMC8962531

GeneDx
Classification: Uncertain significance. Last evaluated: 2023-01-11. Review status: criteria provided, single submitter. Criteria: GeneDx Variant Classification Process June 2021. Collection method: clinical testing. Allele origin: germline. Affected: yes.
Comment: Not observed at significant frequency in large population cohorts (gnomAD); In-frame insertion of 1 amino acids in a non-repeat region; In silico analysis supports a deleterious effect on protein structure/function; Has not been previously published as pathogenic or benign to our knowledge

NM_000179.3(MSH6):c.3691GTT[3] (p.Val1232_Lys1233insVal)

Gene: MSH6 (mutS homolog 6; plus strand). Cytogenetic location: 2p16.3.
Variant type: Microsatellite.
Coding change: c.3691GTT[3] on transcript NM_000179.3 (MANE Select); three copies in a row of the 3-base unit GTT starting at c.3691; the reference has two copies in a row; one copy, 3 bases duplicated; also written c.3694_3696dup.
Protein change: p.Val1232_Lys1233insVal.
Molecular consequence: inframe insertion. On other transcripts: inframe indel (2), non-coding transcript variant (5).
Genome position (GRCh38, 1-based): chr2:47,806,251-47,806,253, GTT duplicated; duplicating any 3 consecutive bases within chr2:47,806,248-47,806,253 gives the same sequence; the position shown is the placement nearest the transcript's 3' end. VCF-style (leftmost placement, unchanged base first): chr2-47806247-A-AGTT. GRCh37 (hg19) VCF-style: chr2-48033386-A-AGTT.
Other names: c.3691_3693GTT[3], p.Val1232_Lys1233insVal (NM_000179.2); c.3301GTT[3], p.Val1102_Lys1103insVal (NM_001281492.2); c.2785GTT[3], p.Val930_Lys931insVal (NM_001281493.2, NM_001281494.2, NM_001406811.1 and 6 more transcripts); c.3787GTT[3], p.Val1264_Lys1265insVal (NM_001406795.1, NM_001406802.1); c.3691GTT[3], p.Val1232_Lys1233insVal (NM_001406796.1, NM_001406800.1, NM_001406808.1 and 1 more transcripts); c.3394GTT[3], p.Val1133_Lys1134insVal (NM_001406797.1, NM_001406801.1, NM_001406805.1 and 10 more transcripts); c.3517GTT[3], p.Val1174_Lys1175insVal (NM_001406798.1); c.3166GTT[3], p.Val1057_Lys1058insVal (NM_001406799.1, NM_001406806.1, NM_001406807.1); and 9 more.
Identifiers: ClinVar variation 2572789 (VCV002572789.2), dbSNP rs587779284, ClinGen allele CA2580612568.